The following is an entry in ClinVar:

NM_003803.4(MYOM1):c.5055_5056insA (p.Ter1686MetextTer?)

Gene: MYOM1 (myomesin 1; minus strand). Cytogenetic location: 18p11.31.
Variant type: Insertion.
Coding change: c.5055_5056insA on transcript NM_003803.4 (MANE Select); coding-DNA positions 5055 to 5056, A inserted.
Protein change: p.Ter1686MetextTer?.
Molecular consequence: frameshift variant, stop lost.
Genome position: GRCh38 VCF-style: chr18-3067264-A-AT. GRCh37 (hg19) VCF-style: chr18-3067262-A-AT.
Other names: c.4767_4768insA, p.Ter1590MetextTer? (NM_019856.2).
Identifiers: ClinVar variation 1381439 (VCV001381439.5), ClinGen allele CA2573155061.

ClinVar aggregate classification (germline): Uncertain significance (1 of 4 stars; one submission).

Conditions:
Hypertrophic cardiomyopathy. Also called: HYPERTROPHIC MYOCARDIOPATHY. Identifiers: Orphanet 217569, MedGen C0007194, MeSH D002312, MONDO:0005045, HP:0001639.

Submission:

Labcorp Genetics (formerly Invitae), Labcorp
Classification: Uncertain significance for Hypertrophic cardiomyopathy. Last evaluated: 2021-11-24. Review status: criteria provided, single submitter. Criteria: Invitae Variant Classification Sherloc (09022015). Collection method: clinical testing. Allele origin: germline.
Comment: This variant is not present in population databases (gnomAD no frequency). This sequence change disrupts the translational stop signal of the MYOM1 mRNA. It is expected to extend the length of the MYOM1 protein by 12 additional amino acid residues. This variant has not been reported in the literature in individuals affected with MYOM1-related conditions. In summary, the available evidence is currently insufficient to determine the role of this variant in disease. Therefore, it has been classified as a Variant of Uncertain Significance.